The following is an entry in ClinVar:

ClinVar aggregate classification (germline): Likely benign (1 of 4 stars; one submission).

Allele frequency attached by ClinVar (database versions not stated): 1000 Genomes Project 0.01218; 1000 Genomes Project 30x 0.01218; TOPMed 0.01999; gnomAD 0.02167 and 0.02191.
gnomAD v4.1: 3,278 of 152,266 alleles (2.2%); highest among the groups gnomAD compares: Non-Finnish European, 3.3%; 54 homozygotes.

Submission:

GeneDx
Classification: Likely benign. Last evaluated: 2018-06-19. Review status: criteria provided, single submitter. Criteria: GeneDx Variant Classification (06012015). Collection method: clinical testing. Allele origin: germline. Affected: yes.
Comment: This variant is considered likely benign or benign based on one or more of the following criteria: it is a conservative change, it occurs at a poorly conserved position in the protein, it is predicted to be benign by multiple in silico algorithms, and/or has population frequency not consistent with disease.

NM_018972.4(GDAP1):c.695-293C>T

Gene: GDAP1 (ganglioside induced differentiation associated protein 1; plus strand). Cytogenetic location: 8q21.11.
Variant type: single nucleotide variant.
Coding change: c.695-293C>T on transcript NM_018972.4 (MANE Select); 293 bases into the intron before coding-DNA position 695, C replaced by T.
Molecular consequence: intron variant.
Genome position (GRCh38, 1-based): chr8:74,363,692, C>T. VCF-style: chr8-74363692-C-T. GRCh37 (hg19) VCF-style: chr8-75275927-C-T.
Other names: c.694+639C>T (NM_001362931.2); c.521-293C>T (NM_001362930.2); c.368-293C>T (NM_001362929.2, NM_001362932.2); c.491-293C>T (NM_001040875.4).
Identifiers: ClinVar variation 668743 (VCV000668743.1), dbSNP rs72665429, ClinGen allele CA179735402.